The following is an entry in ClinVar:

ClinVar aggregate classification (germline): Conflicting classifications of pathogenicity. Review status: criteria provided, conflicting classifications (1 of 4 stars). 3 submissions from 3 submitters: Uncertain significance (1); Likely benign (1). 1 of the submissions does not count toward it. Last evaluated 2025-06-19.

Conditions:
Tuberous sclerosis syndrome (TSC). Also called: Tuberous Sclerosis Complex; Tuberous sclerosis. Identifiers: Orphanet 805, MedGen C0041341, MONDO:0001734.
Hereditary cancer-predisposing syndrome. Also called: Tumor predisposition; Hereditary Cancer Syndrome; Neoplastic Syndromes, Hereditary; Hereditary neoplastic syndrome. Identifiers: Orphanet 140162, MedGen C0027672, MeSH D009386, MONDO:0015356.
Tuberous sclerosis 2 (TSC2). Identifiers: Orphanet 805, MedGen C1860707, MONDO:0013199, OMIM 613254.

Submissions (3):

Labcorp Genetics (formerly Invitae), Labcorp
Classification: Uncertain significance for Tuberous sclerosis 2. Last evaluated: 2025-06-19. Review status: criteria provided, single submitter. Criteria: Invitae Variant Classification Sherloc (09022015). Collection method: clinical testing. Allele origin: germline.
Comment: This sequence change replaces proline, which is neutral and non-polar, with serine, which is neutral and polar, at codon 1315 of the TSC2 protein (p.Pro1315Ser). This variant is not present in population databases (gnomAD no frequency). This missense change has been observed in individual(s) with clinical features of tuberous sclerosis complex (PMID: 10732801, 22903760). This variant is also known as Pro1292Ser. ClinVar contains an entry for this variant (Variation ID: 64947). Invitae Evidence Modeling of protein sequence and biophysical properties (such as structural, functional, and spatial information, amino acid conservation, physicochemical variation, residue mobility, and thermodynamic stability) indicates that this missense variant is not expected to disrupt TSC2 protein function with a negative predictive value of 95%. Experimental studies have shown that this missense change does not substantially affect TSC2 function (PMID: 22903760). In summary, the available evidence is currently insufficient to determine the role of this variant in disease. Therefore, it has been classified as a Variant of Uncertain Significance.

Ambry Genetics
Classification: Likely benign for Hereditary cancer-predisposing syndrome. Last evaluated: 2022-03-24. Review status: criteria provided, single submitter. Criteria: Ambry Variant Classification Scheme 2023. Collection method: clinical testing. Allele origin: germline.

Tuberous sclerosis database (TSC2)
No classification provided. Condition: TSC. Review status: no classification provided. Criteria: Tuberous Sclerosis Database Assertion Criteria 2015. Collection method: curation. Allele origin: germline. Affected: yes. Not counted in ClinVar's aggregate classification.

Literature cited by the submitters: PubMed 10732801 (cited by Labcorp Genetics (formerly Invitae), Labcorp); PubMed 22903760 (cited by Labcorp Genetics (formerly Invitae), Labcorp and Ambry Genetics).

NM_000548.5(TSC2):c.3943C>T (p.Pro1315Ser)

Gene: TSC2 (TSC complex subunit 2; plus strand). Cytogenetic location: 16p13.3.
Variant type: single nucleotide variant.
Coding change: c.3943C>T on transcript NM_000548.5 (MANE Select); coding-DNA position 3943, C replaced by T.
Protein change: p.Pro1315Ser; replaces proline 1315 with serine.
Molecular consequence: missense variant.
Genome position (GRCh38, 1-based): chr16:2,083,754, C>T. VCF-style: chr16-2083754-C-T. GRCh37 (hg19) VCF-style: chr16-2133755-C-T.
Other names: c.3742C>T, p.Pro1248Ser (NM_001077183.3); c.3874C>T, p.Pro1292Ser (NM_001114382.3); c.3634C>T, p.Pro1212Ser (NM_001318827.2); c.3598C>T, p.Pro1200Ser (NM_001318829.2); c.3211C>T, p.Pro1071Ser (NM_001318831.2); c.3775C>T, p.Pro1259Ser (NM_001318832.2); c.3745C>T, p.Pro1249Ser (NM_001363528.2); c.3811C>T, p.Pro1271Ser (NM_001370404.1); and 1 more; short protein forms P1315S, P1200S, P1212S, P1248S, P1259S, P1071S, P1249S, P1272S.
Identifiers: ClinVar variation 64947 (VCV000064947.10), dbSNP rs397514916, ClinGen allele CA019722.
Genomic context (GRCh38, chr16:2,083,754, plus strand): 5'-GACTCCGCCGTGGTCATGGAGGAGGGAAGTCCGGGCGAGGTTCCTGTGCTGGTGGAGCCC[C>T]CAGGGTTGGAGGACGTTGAGGCAGCGCTAGGCATGGACAGGCGCACGGATGCCTACAGCA-3'
Protein context (NP_000539.2, residues 1305-1325): PGEVPVLVEP[Pro1315Ser]GLEDVEAALG